The following is an entry in ClinVar:

ClinVar aggregate classification (germline): Uncertain significance (1 of 4 stars; one submission).

Submission:

Labcorp Genetics (formerly Invitae), Labcorp
Classification: Uncertain significance. Last evaluated: 2022-05-04. Review status: criteria provided, single submitter. Criteria: Invitae Variant Classification Sherloc (09022015). Collection method: clinical testing. Allele origin: germline.
Comment: In summary, the available evidence is currently insufficient to determine the role of this variant in disease. Therefore, it has been classified as a Variant of Uncertain Significance. This variant disrupts the p.Thr337 amino acid residue in WFS1. Other variant(s) that disrupt this residue have been determined to be pathogenic (PMID: 27412528, 31276222; Invitae). This suggests that this residue is clinically significant, and that variants that disrupt this residue are likely to be disease-causing. Advanced modeling of protein sequence and biophysical properties (such as structural, functional, and spatial information, amino acid conservation, physicochemical variation, residue mobility, and thermodynamic stability) performed at Invitae indicates that this missense variant is not expected to disrupt WFS1 protein function. This variant has not been reported in the literature in individuals affected with WFS1-related conditions. This variant is not present in population databases (gnomAD no frequency). This sequence change replaces threonine, which is neutral and polar, with alanine, which is neutral and non-polar, at codon 337 of the WFS1 protein (p.Thr337Ala).

Literature cited by the submitters: PubMed 27412528; PubMed 31276222.

NM_006005.3(WFS1):c.1009A>G (p.Thr337Ala)

Gene: WFS1 (wolframin ER transmembrane glycoprotein; plus strand). Cytogenetic location: 4p16.1.
Variant type: single nucleotide variant.
Coding change: c.1009A>G on transcript NM_006005.3 (MANE Select); coding-DNA position 1009, A replaced by G.
Protein change: p.Thr337Ala; replaces threonine 337 with alanine.
Molecular consequence: missense variant.
Genome position (GRCh38, 1-based): chr4:6,300,804, A>G. VCF-style: chr4-6300804-A-G. GRCh37 (hg19) VCF-style: chr4-6302531-A-G.
Other names: c.1009A>G, p.Thr337Ala (NM_001145853.1); short protein forms T337A.
Identifiers: ClinVar variation 2133735 (VCV002133735.4), dbSNP rs2474192447, ClinGen allele CA356174062.